The following is an entry in ClinVar:

NM_001365536.1(SCN9A):c.65T>C (p.Leu22Pro)

Gene: SCN9A (sodium voltage-gated channel alpha subunit 9; minus strand). Cytogenetic location: 2q24.3.
Variant type: single nucleotide variant.
Coding change: c.65T>C on transcript NM_001365536.1 (MANE Select); coding-DNA position 65, T replaced by C.
Protein change: p.Leu22Pro; replaces leucine 22 with proline.
Molecular consequence: missense variant.
Genome position (GRCh38, 1-based): chr2:166,311,692, A>G on the plus strand (T>C on the coding strand, the complement: SCN9A is on the minus strand). VCF-style: chr2-166311692-A-G. GRCh37 (hg19) VCF-style: chr2-167168202-A-G.
Other names: c.65T>C, p.Leu22Pro (NM_002977.4); short protein forms L22P.
Identifiers: ClinVar variation 944605 (VCV000944605.10), dbSNP rs754046765, ClinGen allele CA349096187.

ClinVar aggregate classification (germline): Uncertain significance (1 of 4 stars; one submission).

Conditions:
Neuropathy, hereditary sensory and autonomic, type 2A (HSAN2A). Also called: HSAN IIA; MORVAN DISEASE; NEUROPATHY, CONGENITAL SENSORY; NEUROPATHY, HEREDITARY SENSORY RADICULAR, AUTOSOMAL RECESSIVE; NEUROPATHY, HEREDITARY SENSORY, TYPE IIA; NEUROPATHY, PROGRESSIVE SENSORY, OF CHILDREN. Identifiers: Orphanet 970, MedGen C2752089, MONDO:0024309, OMIM 201300.
Generalized epilepsy with febrile seizures plus, type 7 (GEFSP7). Also called: GEFS+, TYPE 7. Identifiers: Orphanet 36387, MedGen C2751778, MONDO:0013470, OMIM 613863.

Allele frequency attached by ClinVar (database versions not stated): gnomAD exomes below 0.00001.

Submission:

Labcorp Genetics (formerly Invitae), Labcorp
Classification: Uncertain significance for Neuropathy, hereditary sensory and autonomic, type 2A; Generalized epilepsy with febrile seizures plus, type 7. Last evaluated: 2019-05-10. Review status: criteria provided, single submitter. Criteria: Invitae Variant Classification Sherloc (09022015). Collection method: clinical testing. Allele origin: germline.
Comment: This sequence change replaces leucine with proline at codon 22 of the SCN9A protein (p.Leu22Pro). The leucine residue is moderately conserved and there is a moderate physicochemical difference between leucine and proline. This variant is not present in population databases (ExAC no frequency). This variant has not been reported in the literature in individuals with SCN9A-related conditions. Algorithms developed to predict the effect of missense changes on protein structure and function (SIFT, PolyPhen-2, Align-GVGD) all suggest that this variant is likely to be tolerated, but these predictions have not been confirmed by published functional studies and their clinical significance is uncertain. In summary, the available evidence is currently insufficient to determine the role of this variant in disease. Therefore, it has been classified as a Variant of Uncertain Significance.